The following is an entry in ClinVar:

ClinVar aggregate classification (germline): Uncertain significance. Review status: criteria provided, multiple submitters, no conflicts (2 of 4 stars). 2 submissions from 2 submitters: Uncertain significance (2). Last evaluated 2025-07-22.

Conditions:
Early-infantile DEE. Also called: Ohtahara syndrome; Early infantile epileptic encephalopathy with suppression bursts; Early infantile epileptic encephalopathy. Identifiers: Orphanet 1934, MedGen C0393706, MONDO:0800491.

Allele frequency attached by ClinVar (database versions not stated): gnomAD exomes 0.00001.
gnomAD v4.1: 10 of 1,614,114 alleles (0.00062%); highest among the groups gnomAD compares: Non-Finnish European, 0.00085%; no homozygotes.

Submissions (2):

Labcorp Genetics (formerly Invitae), Labcorp
Classification: Uncertain significance for Early-infantile DEE. Last evaluated: 2025-07-22. Review status: criteria provided, single submitter. Criteria: Invitae Variant Classification Sherloc (09022015). Collection method: clinical testing. Allele origin: germline.
Comment: This sequence change replaces serine, which is neutral and polar, with proline, which is neutral and non-polar, at codon 525 of the SCN1A protein (p.Ser525Pro). This variant is not present in population databases (gnomAD no frequency). This variant has not been reported in the literature in individuals affected with SCN1A-related conditions. ClinVar contains an entry for this variant (Variation ID: 2896523). Invitae Evidence Modeling of protein sequence and biophysical properties (such as structural, functional, and spatial information, amino acid conservation, physicochemical variation, residue mobility, and thermodynamic stability) indicates that this missense variant is not expected to disrupt SCN1A protein function with a negative predictive value of 95%. This variant disrupts the p.Ser525 amino acid residue in SCN1A. Other variant(s) that disrupt this residue have been determined to be pathogenic (PMID: 18930999). This suggests that this residue is clinically significant, and that variants that disrupt this residue are likely to be disease-causing. In summary, the available evidence is currently insufficient to determine the role of this variant in disease. Therefore, it has been classified as a Variant of Uncertain Significance.

GeneDx
Classification: Uncertain significance. Last evaluated: 2025-07-10. Review status: criteria provided, single submitter. Criteria: GeneDx Variant Classification Process June 2021. Collection method: clinical testing. Allele origin: germline. Affected: yes.
Comment: Not observed at significant frequency in large population cohorts (gnomAD); In silico analysis supports that this missense variant has a deleterious effect on protein structure/function; Has not been previously published as pathogenic or benign to our knowledge

Literature cited by the submitters: PubMed 18930999 (cited by Labcorp Genetics (formerly Invitae), Labcorp).

NM_001165963.4(SCN1A):c.1573T>C (p.Ser525Pro)

Gene: SCN1A (sodium voltage-gated channel alpha subunit 1; minus strand). Cytogenetic location: 2q24.3.
Variant type: single nucleotide variant.
Coding change: c.1573T>C on transcript NM_001165963.4 (MANE Select); coding-DNA position 1573, T replaced by C.
Protein change: p.Ser525Pro; replaces serine 525 with proline.
Molecular consequence: missense variant. On other transcripts: 5 prime UTR variant (1), non-coding transcript variant (1).
Genome position (GRCh38, 1-based): chr2:166,045,132, A>G on the plus strand (T>C on the coding strand, the complement: SCN1A is on the minus strand). VCF-style: chr2-166045132-A-G. GRCh37 (hg19) VCF-style: chr2-166901642-A-G.
Other names: c.1573T>C, p.Ser525Pro (NM_001165964.3, NM_001202435.3, NM_001353948.2 and 7 more transcripts); c.1570T>C, p.Ser524Pro (NM_001353954.2, NM_001353955.2, NM_001353960.2); c.-853T>C (NM_001353961.2); c.1573T>C (NM_001165963.1); short protein forms S524P, S525P.
Identifiers: ClinVar variation 2896523 (VCV002896523.4), dbSNP rs2105850864, ClinGen allele CA349069305.
Genomic context (GRCh38, chr2:166,045,132, plus strand): 5'-ATGTCAATCGGTTCCCTTCAATGGAGAAGCGAAAACCTTTCCTCCTGATGCTGTCCTCAG[A>G]TTCAGATTTTTGGAATTCATCCTCATCTTTCTCTTCCCCACCAGACTGCTCTTTCTGTTT-3'
Protein context (NP_001159435.1, residues 515-535): KDEDEFQKSE[Ser525Pro]EDSIRRKGFR